The following is an entry in ClinVar:

ClinVar aggregate classification (germline): Uncertain significance (1 of 4 stars; one submission).

Conditions:
Hereditary cancer-predisposing syndrome. Also called: Tumor predisposition; Hereditary Cancer Syndrome; Hereditary neoplastic syndrome; Neoplastic Syndromes, Hereditary. Identifiers: Orphanet 140162, MedGen C0027672, MeSH D009386, MONDO:0015356.

Submission:

Ambry Genetics
Classification: Uncertain significance for Hereditary cancer-predisposing syndrome. Last evaluated: 2025-12-12. Review status: criteria provided, single submitter. Criteria: Ambry Variant Classification Scheme 2023. Collection method: clinical testing. Allele origin: germline.
Comment: The c.1052_1057dupAGGACC variant (also known as p.D352_L353insQD), located in coding exon 8 of the STK11 gene, results from an in-frame duplication of AGGACC at nucleotide positions 1052 to 1057. This results in the insertion of 2 residues (QD) between codons 352 and 353. This amino acid region is well conserved in available vertebrate species. In addition, this variant is predicted to be neutral by in silico analysis (Choi Y et al. PLoS ONE. 2012; 7(10):e46688). Based on the available evidence, the clinical significance of this variant remains unclear.

NM_000455.5(STK11):c.1052_1057dup (p.Asp352_Leu353insGlnAsp)

Genes: STK11 (serine/threonine kinase 11; plus strand), LOC130062899 (ATAC-STARR-seq lymphoblastoid active region 13597; plus strand). Cytogenetic location: 19p13.3.
Variant type: Duplication.
Coding change: c.1052_1057dup on transcript NM_000455.5 (MANE Select); coding-DNA positions 1052 to 1057, 6 bases duplicated (AGGACC; older notation c.1052_1057dupAGGACC).
Protein change: p.Asp352_Leu353insGlnAsp.
Molecular consequence: inframe insertion. On other transcripts: inframe indel (1), non-coding transcript variant (1).
Genome position (GRCh38, 1-based): chr19:1,223,116-1,223,121, AGGACC duplicated. VCF-style (leftmost placement, unchanged base first): chr19-1223115-G-GAGGACC. GRCh37 (hg19) VCF-style: chr19-1223114-G-GAGGACC.
Other names: c.1052_1057dupAGGACC (NM_000455.4); c.1052_1057dup, p.Asp352_Leu353insGlnAsp (NM_001407255.1).
Identifiers: ClinVar variation 4551435 (VCV004551435.1).